The following is an entry in ClinVar:

NM_001349206.2(LPIN1):c.1893G>T (p.Lys631Asn)

Gene: LPIN1 (lipin 1; plus strand). Cytogenetic location: 2p25.1.
Variant type: single nucleotide variant.
Coding change: c.1893G>T on transcript NM_001349206.2 (MANE Select); coding-DNA position 1893, G replaced by T.
Protein change: p.Lys631Asn; replaces lysine 631 with asparagine.
Molecular consequence: missense variant. On other transcripts: non-coding transcript variant (1).
Genome position (GRCh38, 1-based): chr2:11,802,913, G>T. VCF-style: chr2-11802913-G-T. GRCh37 (hg19) VCF-style: chr2-11943039-G-T.
Other names: c.1803G>T, p.Lys601Asn (NM_001261427.3); c.2040G>T, p.Lys680Asn (NM_001261428.3); c.1785G>T, p.Lys595Asn (NM_001349199.2, NM_145693.4); c.1863G>T, p.Lys621Asn (NM_001349200.2, NM_001349201.2); c.1890G>T, p.Lys630Asn (NM_001349202.2, NM_001349203.2); c.1893G>T, p.Lys631Asn (NM_001349204.2, NM_001349205.2); c.1983G>T, p.Lys661Asn (NM_001349207.2); c.1932G>T, p.Lys644Asn (NM_001349208.2); and 1 more; short protein forms K595N, K601N, K621N, K630N, K631N, K644N, K661N, K680N.
Identifiers: ClinVar variation 1307659 (VCV001307659.5), dbSNP rs145608684, ClinGen allele CA1533923.

ClinVar aggregate classification (germline): Uncertain significance. Review status: criteria provided, multiple submitters, no conflicts (2 of 4 stars). 4 submissions from 4 submitters: Uncertain significance (4). Last evaluated 2022-07-12.

Conditions:
Inborn genetic diseases. Identifiers: MedGen C0950123, MeSH D030342.
Myoglobinuria, acute recurrent, autosomal recessive. Also called: Myoglobinuria, recurrent, autosomal recessive; MYOGLOBINURIA, FAMILIAL PAROXYSMAL PARALYTIC; RHABDOMYOLYSIS, ACUTE RECURRENT. Identifiers: Orphanet 99845, MedGen C1849386, MONDO:0009992, OMIM 268200.

Allele frequency attached by ClinVar (database versions not stated): ExAC 0.00010; gnomAD exomes 0.00010; 1000 Genomes Project 0.00020; ESP Exome Variant Server 0.00023; gnomAD 0.00023 and 0.00026; 1000 Genomes Project 30x 0.00031.
gnomAD v4.1: 77 of 1,613,230 alleles (0.0048%); highest among the groups gnomAD compares: African/African-American, 0.065%; no homozygotes.

Submissions (4):

Labcorp Genetics (formerly Invitae), Labcorp
Classification: Uncertain significance. Last evaluated: 2022-07-12. Review status: criteria provided, single submitter. Criteria: Invitae Variant Classification Sherloc (09022015). Collection method: clinical testing. Allele origin: germline.
Comment: This sequence change replaces lysine, which is basic and polar, with asparagine, which is neutral and polar, at codon 595 of the LPIN1 protein (p.Lys595Asn). This variant is present in population databases (rs145608684, gnomAD 0.07%). This variant has not been reported in the literature in individuals affected with LPIN1-related conditions. ClinVar contains an entry for this variant (Variation ID: 1307659). Algorithms developed to predict the effect of missense changes on protein structure and function are either unavailable or do not agree on the potential impact of this missense change (SIFT: "Tolerated"; PolyPhen-2: "Possibly Damaging"; Align-GVGD: "Class C0"). In summary, the available evidence is currently insufficient to determine the role of this variant in disease. Therefore, it has been classified as a Variant of Uncertain Significance.

Ambry Genetics
Classification: Uncertain significance for Inborn genetic diseases. Last evaluated: 2022-05-31. Review status: criteria provided, single submitter. Criteria: Ambry Variant Classification Scheme 2023. Collection method: clinical testing. Allele origin: germline.

Fulgent Genetics
Classification: Uncertain significance for Myoglobinuria, acute recurrent, autosomal recessive. Last evaluated: 2022-01-10. Review status: criteria provided, single submitter. Criteria: ACMG Guidelines, 2015. Collection method: clinical testing. Allele origin: unknown.

GeneDx
Classification: Uncertain significance. Last evaluated: 2019-08-07. Review status: criteria provided, single submitter. Criteria: GeneDx Variant Classification Process June 2021. Collection method: clinical testing. Allele origin: germline. Affected: yes.
Comment: In-silico analysis, which includes splice predictors and evolutionary conservation, is inconclusive as to whether the variant alters gene splicing. In the absence of RNA/functional studies, the actual effect of this sequence change is unknown.